The following is an entry in ClinVar:

NM_000701.8(ATP1A1):c.416T>C (p.Val139Ala)

Gene: ATP1A1 (ATPase Na+/K+ transporting subunit alpha 1; plus strand). Cytogenetic location: 1p13.1.
Variant type: single nucleotide variant.
Coding change: c.416T>C on transcript NM_000701.8 (MANE Select); coding-DNA position 416, T replaced by C.
Protein change: p.Val139Ala; replaces valine 139 with alanine.
Molecular consequence: missense variant.
Genome position (GRCh38, 1-based): chr1:116,388,159, T>C. VCF-style: chr1-116388159-T-C. GRCh37 (hg19) VCF-style: chr1-116930781-T-C.
Other names: c.416T>C, p.Val139Ala (NM_001160233.2); c.323T>C, p.Val108Ala (NM_001160234.2); short protein forms V108A, V139A.
Identifiers: ClinVar variation 3643645 (VCV003643645.2).

ClinVar aggregate classification (germline): Uncertain significance (1 of 4 stars; one submission).

Submission:

Labcorp Genetics (formerly Invitae), Labcorp
Classification: Uncertain significance. Last evaluated: 2024-05-08. Review status: criteria provided, single submitter. Criteria: Invitae Variant Classification Sherloc (09022015). Collection method: clinical testing. Allele origin: germline.
Comment: This sequence change replaces valine, which is neutral and non-polar, with alanine, which is neutral and non-polar, at codon 139 of the ATP1A1 protein (p.Val139Ala). This variant is not present in population databases (gnomAD no frequency). This variant has not been reported in the literature in individuals affected with ATP1A1-related conditions. Advanced modeling of protein sequence and biophysical properties (such as structural, functional, and spatial information, amino acid conservation, physicochemical variation, residue mobility, and thermodynamic stability) has been performed at Invitae for this missense variant, however the output from this modeling did not meet the statistical confidence thresholds required to predict the impact of this variant on ATP1A1 protein function. In summary, the available evidence is currently insufficient to determine the role of this variant in disease. Therefore, it has been classified as a Variant of Uncertain Significance.